The following is an entry in ClinVar:

NM_000256.3(MYBPC3):c.1084A>G (p.Ser362Gly)

Gene: MYBPC3 (myosin binding protein C3; minus strand). Cytogenetic location: 11p11.2.
Variant type: single nucleotide variant.
Coding change: c.1084A>G on transcript NM_000256.3 (MANE Select); coding-DNA position 1084, A replaced by G.
Protein change: p.Ser362Gly; replaces serine 362 with glycine.
Molecular consequence: missense variant.
Genome position (GRCh38, 1-based): chr11:47,346,213, T>C on the plus strand (A>G on the coding strand, the complement: MYBPC3 is on the minus strand). VCF-style: chr11-47346213-T-C. GRCh37 (hg19) VCF-style: chr11-47367764-T-C.
Other names: p.S362G:AGC>GGC; c.1084A>G, p.Ser362Gly (LRG_386t1); short protein forms S362G.
Identifiers: ClinVar variation 181058 (VCV000181058.47), dbSNP rs730880633, ClinGen allele CA009745.

ClinVar aggregate classification (germline): Conflicting classifications of pathogenicity. Review status: criteria provided, conflicting classifications (1 of 4 stars). 11 submissions from 11 submitters: Uncertain significance (10); Likely benign (1). Last evaluated 2026-02-01.

Conditions:
MYBPC3-related disorder. Also called: MYBPC3-related disorders; MYBPC3-related condition; MYBPC3-related disease.
Cardiomyopathy (CMYO). Also called: Cardiomyopathies. Identifiers: Orphanet 167848, MedGen C0878544, MONDO:0004994, HP:0001638. Inheritance: Various modes of inheritance.
Hypertrophic cardiomyopathy 4. Also called: Familial hypertrophic cardiomyopathy 4. Identifiers: MedGen C1861862, MONDO:0007268, OMIM 115197.
Hypertrophic cardiomyopathy. Also called: HYPERTROPHIC MYOCARDIOPATHY. Identifiers: Orphanet 217569, MedGen C0007194, MeSH D002312, MONDO:0005045, HP:0001639.

Allele frequency attached by ClinVar (database versions not stated): gnomAD exomes below 0.00001; ExAC 0.00001.
gnomAD v4.1: 2 of 1,613,836 alleles (0.00012%); highest among the groups gnomAD compares: Non-Finnish European, 0.000085%; no homozygotes.

Submissions (11):

Labcorp Genetics (formerly Invitae), Labcorp
Classification: Uncertain significance for Hypertrophic cardiomyopathy. Last evaluated: 2026-02-01. Review status: criteria provided, single submitter. Criteria: Invitae Variant Classification Sherloc (09022015). Collection method: clinical testing. Allele origin: germline.
Comment: This sequence change replaces serine, which is neutral and polar, with glycine, which is neutral and non-polar, at codon 362 of the MYBPC3 protein (p.Ser362Gly). This variant is present in population databases (rs730880633, gnomAD 0.0009%). This missense change has been observed in individual(s) with hypertrophic cardiomyopathy (PMID: 25351510). ClinVar contains an entry for this variant (Variation ID: 181058). An algorithm developed to predict the effect of missense changes on protein structure and function (PolyPhen-2) suggests that this variant is likely to be disruptive. In summary, the available evidence is currently insufficient to determine the role of this variant in disease. Therefore, it has been classified as a Variant of Uncertain Significance.

Genomic Medicine Center of Excellence, King Faisal Specialist Hospital and Research Centre
Classification: Uncertain significance for Hypertrophic cardiomyopathy 4. Last evaluated: 2025-09-10. Review status: criteria provided, single submitter. Criteria: ACMG Guidelines, 2015. Collection method: clinical testing. Allele origin: germline.

PreventionGenetics, part of Exact Sciences
Classification: Uncertain significance for MYBPC3-related condition. Last evaluated: 2025-07-30. Review status: criteria provided, single submitter. Criteria: ACMG Guidelines, 2015. Collection method: clinical testing. Allele origin: germline.
Comment: The MYBPC3 c.1084A>G variant is predicted to result in the amino acid substitution p.Ser362Gly. This variant has been reported in a cohort study of individuals with hypertrophic cardiomyopathy (Supplementary table 1, Lopes et al. 2015. PubMed ID: 25351510); however, detailed clinical information was not provided. This variant is reported in 0.00089% of alleles in individuals of European (Non-Finnish) descent in gnomAD. At this time, the clinical significance of this variant is uncertain due to the absence of conclusive functional and genetic evidence.

GeneDx
Classification: Uncertain significance. Last evaluated: 2024-11-13. Review status: criteria provided, single submitter. Criteria: GeneDx Variant Classification Process June 2021. Collection method: clinical testing. Allele origin: germline. Affected: yes.
Comment: Reported in association with HCM in the published literature (PMID: 25351510); In silico analysis supports that this missense variant has a deleterious effect on protein structure/function; Not observed at significant frequency in large population cohorts (gnomAD); This variant is associated with the following publications: (PMID: 27720588, 25351510)

All of Us Research Program, National Institutes of Health
Classification: Uncertain significance for Hypertrophic cardiomyopathy. Last evaluated: 2024-01-11. Review status: criteria provided, single submitter. Criteria: ACMG Guidelines, 2015. Collection method: clinical testing. Allele origin: germline. Inheritance: Autosomal dominant inheritance. Observed: 2 variant alleles, 2 heterozygotes.
Comment: This missense variant replaces serine with glycine at codon 362 of the MYBPC3 protein. Computational prediction suggests that this variant may not impact protein structure and function (internally defined REVEL score threshold <= 0.5, PMID: 27666373). To our knowledge, functional studies have not been reported for this variant. This variant has been reported in two individuals affected with hypertrophic cardiomyopathy (PMID: 25351510, ClinVar: SCV001428680.1). This variant has been identified in 1/248946 chromosomes in the general population by the Genome Aggregation Database (gnomAD). The available evidence is insufficient to determine the role of this variant in disease conclusively. Therefore, this variant is classified as a Variant of Uncertain Significance.

This study involves interpretation of variants in research participants for the purpose of population health screening. Participant phenotype was not available at the time of variant classification. Additional details can be found in publication PMID: 35346344, PMCID: PMC8962531

Blueprint Genetics
Classification: Uncertain significance. Last evaluated: 2023-12-28. Review status: criteria provided, single submitter. Criteria: ACMG Guidelines, 2015. Collection method: clinical testing. Allele origin: germline.

Color Diagnostics, LLC DBA Color Health
Classification: Uncertain significance for Cardiomyopathy. Last evaluated: 2023-11-01. Review status: criteria provided, single submitter. Criteria: ACMG Guidelines, 2015. Collection method: clinical testing. Allele origin: germline.
Comment: This missense variant replaces serine with glycine at codon 362 of the MYBPC3 protein. Computational prediction suggests that this variant may not impact protein structure and function (internally defined REVEL score threshold <= 0.4, PMID: 27666373). To our knowledge, functional studies have not been reported for this variant. This variant has been reported in two individuals affected with hypertrophic cardiomyopathy (PMID: 25351510, ClinVar: SCV001428680.1). This variant has been identified in 1/248946 chromosomes in the general population by the Genome Aggregation Database (gnomAD). The available evidence is insufficient to determine the role of this variant in disease conclusively. Therefore, this variant is classified as a Variant of Uncertain Significance.

CeGaT Center for Human Genetics Tuebingen
Classification: Likely benign. Last evaluated: 2022-10-01. Review status: criteria provided, single submitter. Criteria: CeGaT Center For Human Genetics Tuebingen Variant Classification Criteria Version 2. Collection method: clinical testing. Allele origin: germline. Affected: yes. Observed: 1 variant allele.
Comment: MYBPC3: BP4

Mayo Clinic Laboratories, Mayo Clinic
Classification: Uncertain significance. Last evaluated: 2020-01-02. Review status: criteria provided, single submitter. Criteria: ACMG Guidelines, 2015. Collection method: clinical testing. Allele origin: germline. Observed: 1 variant allele.

Institute of Human Genetics, University of Leipzig Medical Center
Classification: Uncertain significance for Hypertrophic cardiomyopathy 4. Last evaluated: 2019-12-17. Review status: criteria provided, single submitter. Criteria: ACMG Guidelines, 2015. Collection method: clinical testing. Allele origin: germline. Affected: yes. Observed: 1 variant allele.

Mendelics
Classification: Uncertain significance for Hypertrophic cardiomyopathy 4. Last evaluated: 2019-05-28. Review status: criteria provided, single submitter. Criteria: Mendelics Assertion Criteria 2017. Collection method: clinical testing. Allele origin: unknown.

Literature cited by the submitters: PubMed 25351510 (cited by 3 submitters).